The following is an entry in ClinVar:

ClinVar aggregate classification (germline): Uncertain significance (1 of 4 stars; one submission).

Conditions:
Inborn genetic diseases. Identifiers: MedGen C0950123, MeSH D030342.

Submission:

Ambry Genetics
Classification: Uncertain significance for Inborn genetic diseases. Last evaluated: 2021-11-01. Review status: criteria provided, single submitter. Criteria: Ambry Variant Classification Scheme 2023. Collection method: clinical testing. Allele origin: germline.
Comment: The p.Q832P variant (also known as c.2495A>C), located in coding exon 19 of the LRRK2 gene, results from an A to C substitution at nucleotide position 2495. The glutamine at codon 832 is replaced by proline, an amino acid with similar properties. This amino acid position is conserved. In addition, this alteration is predicted to be tolerated by in silico analysis. Since supporting evidence is limited at this time, the clinical significance of this alteration remains unclear.

NM_198578.4(LRRK2):c.2495A>C (p.Gln832Pro)

Gene: LRRK2 (leucine rich repeat kinase 2; plus strand). Cytogenetic location: 12q12.
Variant type: single nucleotide variant.
Coding change: c.2495A>C on transcript NM_198578.4 (MANE Select); coding-DNA position 2495, A replaced by C.
Protein change: p.Gln832Pro; replaces glutamine 832 with proline.
Molecular consequence: missense variant.
Genome position (GRCh38, 1-based): chr12:40,284,128, A>C. VCF-style: chr12-40284128-A-C. GRCh37 (hg19) VCF-style: chr12-40677930-A-C.
Other names: short protein forms Q832P.
Identifiers: ClinVar variation 1792123 (VCV001792123.2), dbSNP rs2499665597, ClinGen allele CA384407651.